The following is an entry in ClinVar:

ClinVar aggregate classification (germline): Pathogenic (1 of 4 stars; one submission).

Conditions:
Osteogenesis imperfecta type I (OI1). Also called: Osteogenesis imperfecta type 1; Lobstein's Disease; OI, TYPE I; OSTEOGENESIS IMPERFECTA TARDA; OSTEOGENESIS IMPERFECTA WITH BLUE SCLERAE; Lobstein disease. Identifiers: Orphanet 216796, Orphanet 666, MedGen C0023931, MONDO:0008146, OMIM 166200. Disease mechanism: loss of function.

Submission:

Labcorp Genetics (formerly Invitae), Labcorp
Classification: Pathogenic for Osteogenesis imperfecta type I. Last evaluated: 2025-11-23. Review status: criteria provided, single submitter. Criteria: Invitae Variant Classification Sherloc (09022015). Collection method: clinical testing. Allele origin: germline.
Comment: This sequence change creates a premature translational stop signal (p.Asp279Glufs*8) in the COL1A1 gene. It is expected to result in an absent or disrupted protein product. Loss-of-function variants in COL1A1 are known to be pathogenic (PMID: 7942841, 9295084, 9443882). This variant is not present in population databases (gnomAD no frequency). This variant has not been reported in the literature in individuals affected with COL1A1-related conditions. For these reasons, this variant has been classified as Pathogenic.

Literature cited by the submitters: PubMed 7942841; PubMed 9295084; PubMed 9443882.

NM_000088.4(COL1A1):c.836dup (p.Asp279fs)

Genes: COL1A1 (collagen type I alpha 1 chain; minus strand), LOC126862586 (CDK7 strongly-dependent group 2 enhancer GRCh37_chr17:48273702-48274901; plus strand). Cytogenetic location: 17q21.33.
Variant type: Duplication.
Coding change: c.836dup on transcript NM_000088.4 (MANE Select); coding-DNA position 836, one base duplicated (A; older notation c.836dupA).
Protein change: p.Asp279fs; shifts the reading frame from aspartic acid 279.
Molecular consequence: frameshift variant.
Genome position (GRCh38, 1-based): chr17:50,196,639, T duplicated on the plus strand (A on the coding strand, the reverse complement: COL1A1 is on the minus strand). VCF-style (leftmost placement, unchanged base first): chr17-50196638-A-AT. GRCh37 (hg19) VCF-style: chr17-48273999-A-AT.
Other names: short protein forms D279fs.
Identifiers: ClinVar variation 4731813 (VCV004731813.1).